The following is an entry in ClinVar:

ClinVar aggregate classification (germline): Uncertain significance. Review status: criteria provided, multiple submitters, no conflicts (2 of 4 stars). 2 submissions from 2 submitters: Uncertain significance (2). Last evaluated 2025-12-15.

Conditions:
Tumor predisposition syndrome 3 (TPDS3). Also called: Glioma susceptibility 9; LONG TELOMERE SYNDROME, POT1-RELATED; POT1 Tumor Predisposition; Melanoma, cutaneous malignant, susceptibility to, 10. Identifiers: Orphanet 618, MedGen C4014476, MONDO:0014368, OMIM 615848.
Hereditary cancer-predisposing syndrome. Also called: Tumor predisposition; Hereditary Cancer Syndrome; Hereditary neoplastic syndrome; Neoplastic Syndromes, Hereditary. Identifiers: Orphanet 140162, MedGen C0027672, MeSH D009386, MONDO:0015356.

Allele frequency attached by ClinVar (database versions not stated): gnomAD exomes below 0.00001 and 0.00001.
gnomAD v4.1: 2 of 1,611,040 alleles (0.00012%); highest among the groups gnomAD compares: Admixed American, 0.0033%; no homozygotes.

Submissions (2):

Labcorp Genetics (formerly Invitae), Labcorp
Classification: Uncertain significance for Tumor predisposition syndrome 3. Last evaluated: 2025-12-15. Review status: criteria provided, single submitter. Criteria: Invitae Variant Classification Sherloc (09022015). Collection method: clinical testing. Allele origin: germline.
Comment: This sequence change replaces leucine, which is neutral and non-polar, with phenylalanine, which is neutral and non-polar, at codon 445 of the POT1 protein (p.Leu445Phe). This variant is present in population databases (no rsID available, gnomAD 0.006%). This variant has not been reported in the literature in individuals affected with POT1-related conditions. ClinVar contains an entry for this variant (Variation ID: 818968). Invitae Evidence Modeling of protein sequence and biophysical properties (such as structural, functional, and spatial information, amino acid conservation, physicochemical variation, residue mobility, and thermodynamic stability) indicates that this missense variant is not expected to disrupt POT1 protein function with a negative predictive value of 80%. In summary, the available evidence is currently insufficient to determine the role of this variant in disease. Therefore, it has been classified as a Variant of Uncertain Significance.

Ambry Genetics
Classification: Uncertain significance for Hereditary cancer-predisposing syndrome. Last evaluated: 2025-08-30. Review status: criteria provided, single submitter. Criteria: Ambry Variant Classification Scheme 2023. Collection method: clinical testing. Allele origin: germline.
Comment: The p.L445F variant (also known as c.1333C>T), located in coding exon 10 of the POT1 gene, results from a C to T substitution at nucleotide position 1333. The leucine at codon 445 is replaced by phenylalanine, an amino acid with highly similar properties. This amino acid position is highly conserved in available vertebrate species. In addition, this alteration is predicted to be tolerated by in silico analysis. Since supporting evidence is limited at this time, the clinical significance of this alteration remains unclear.

NM_015450.3(POT1):c.1333C>T (p.Leu445Phe)

Gene: POT1 (protection of telomeres 1; minus strand). Cytogenetic location: 7q31.33.
Variant type: single nucleotide variant.
Coding change: c.1333C>T on transcript NM_015450.3 (MANE Select); coding-DNA position 1333, C replaced by T.
Protein change: p.Leu445Phe; replaces leucine 445 with phenylalanine.
Molecular consequence: missense variant. On other transcripts: non-coding transcript variant (3).
Genome position (GRCh38, 1-based): chr7:124,841,009, G>A on the plus strand (C>T on the coding strand, the complement: POT1 is on the minus strand). VCF-style: chr7-124841009-G-A. GRCh37 (hg19) VCF-style: chr7-124481063-G-A.
Other names: c.940C>T, p.Leu314Phe (NM_001042594.2); short protein forms L314F, L445F.
Identifiers: ClinVar variation 818968 (VCV000818968.16), dbSNP rs1416672170, ClinGen allele CA369066781.